The following is an entry in ClinVar:

NM_001040274.3(SYCP2L):c.1380T>C (p.Thr460=)

Gene: SYCP2L (synaptonemal complex protein 2 like; plus strand). Cytogenetic location: 6p24.2.
Variant type: single nucleotide variant.
Coding change: c.1380T>C on transcript NM_001040274.3 (MANE Select); coding-DNA position 1380, T replaced by C.
Protein change: p.Thr460=; no amino-acid change (threonine 460 retained).
Molecular consequence: synonymous variant.
Genome position (GRCh38, 1-based): chr6:10,927,307, T>C. VCF-style: chr6-10927307-T-C. GRCh37 (hg19) VCF-style: chr6-10927540-T-C.
Identifiers: ClinVar variation 2656225 (VCV002656225.24), dbSNP rs747613655, ClinGen allele CA3634775.

ClinVar aggregate classification (germline): Likely benign (1 of 4 stars; one submission).

Allele frequency attached by ClinVar (database versions not stated): ExAC 0.00001; gnomAD 0.00001; gnomAD exomes 0.00001; TOPMed 0.00001.
gnomAD v4.1: 10 of 1,614,004 alleles (0.00062%); highest among the groups gnomAD compares: South Asian, 0.0011%; no homozygotes.

Submission:

CeGaT Center for Human Genetics Tuebingen
Classification: Likely benign. Last evaluated: 2023-01-01. Review status: criteria provided, single submitter. Criteria: CeGaT Center For Human Genetics Tuebingen Variant Classification Criteria Version 2. Collection method: clinical testing. Allele origin: germline. Affected: yes. Observed: 1 variant allele.
Comment: SYCP2L: BP4, BP7